The following is an entry in ClinVar:

NM_017654.4(SAMD9):c.299C>G (p.Thr100Ser)

Gene: SAMD9 (sterile alpha motif domain containing 9; minus strand). Cytogenetic location: 7q21.2.
Variant type: single nucleotide variant.
Coding change: c.299C>G on transcript NM_017654.4 (MANE Select); coding-DNA position 299, C replaced by G.
Protein change: p.Thr100Ser; replaces threonine 100 with serine.
Molecular consequence: missense variant.
Genome position (GRCh38, 1-based): chr7:93,105,799, G>C on the plus strand (C>G on the coding strand, the complement: SAMD9 is on the minus strand). VCF-style: chr7-93105799-G-C. GRCh37 (hg19) VCF-style: chr7-92735112-G-C.
Other names: c.299C>G, p.Thr100Ser (NM_001193307.2); short protein forms T100S.
Identifiers: ClinVar variation 3792070 (VCV003792070.1).

ClinVar aggregate classification (germline): Uncertain significance (1 of 4 stars; one submission).

Conditions:
Inborn genetic diseases. Identifiers: MedGen C0950123, MeSH D030342.

gnomAD v4.1: 1 of 1,614,126 alleles (0.000062%); highest among the groups gnomAD compares: Non-Finnish European, 0.000085%; no homozygotes.

Submission:

Ambry Genetics
Classification: Uncertain significance for Inborn genetic diseases. Last evaluated: 2025-02-08. Review status: criteria provided, single submitter. Criteria: Ambry Variant Classification Scheme 2023. Collection method: clinical testing. Allele origin: germline.
Comment: The p.T100S variant (also known as c.299C>G), located in coding exon 1 of the SAMD9 gene, results from a C to G substitution at nucleotide position 299. The threonine at codon 100 is replaced by serine, an amino acid with similar properties. This amino acid position is conserved. In addition, this alteration is predicted to be tolerated by in silico analysis. Based on the available evidence, the clinical significance of this variant remains unclear.